The following is an entry in ClinVar:

NM_020738.4(KIDINS220):c.3315G>A (p.Thr1105=)

Gene: KIDINS220 (kinase D interacting substrate 220; minus strand). Cytogenetic location: 2p25.1.
Variant type: single nucleotide variant.
Coding change: c.3315G>A on transcript NM_020738.4 (MANE Select); coding-DNA position 3315, G replaced by A.
Protein change: p.Thr1105=; no amino-acid change (threonine 1105 retained).
Molecular consequence: synonymous variant. On other transcripts: non-coding transcript variant (2).
Genome position (GRCh38, 1-based): chr2:8,750,211, C>T on the plus strand (G>A on the coding strand, the complement: KIDINS220 is on the minus strand). VCF-style: chr2-8750211-C-T. GRCh37 (hg19) VCF-style: chr2-8890341-C-T.
Other names: c.3318G>A, p.Thr1106= (NM_001348729.2, NM_001348731.2, NM_001348734.2 and 2 more transcripts); c.3315G>A, p.Thr1105= (NM_001348732.2, NM_001348735.2, NM_001348738.2 and 3 more transcripts); c.3189G>A, p.Thr1063= (NM_001348736.2); c.3315G>A (NM_020738.2).
Identifiers: ClinVar variation 1636758 (VCV001636758.9), dbSNP rs542549735, ClinGen allele CA1519705.
Genomic context (GRCh38, chr2:8,750,211, plus strand): 5'-GTAATAGCTGCTGTGAGGCTGTGGTGACACCACTCCACCTGCGAAGGGCCCATTGAAGGA[C>T]GTGGAAGAGCACACGGATGGGGGCTGGCTGTACCCTGATGGCGCCCTAGGAGGACCCTCA-3'
Protein context (NP_065789.1, residues 1095-1115): YSQPPSVCSS[Thr1105=]SFNGPFAGGV

ClinVar aggregate classification (germline): Likely benign. Review status: criteria provided, multiple submitters, no conflicts (2 of 4 stars). 2 submissions from 2 submitters: Likely benign (2). Last evaluated 2025-08-15.

Conditions:
KIDINS220-related disorder. Also called: KIDINS220-related condition.

Allele frequency attached by ClinVar (database versions not stated): gnomAD 0.00001; TOPMed 0.00001; ExAC 0.00002; gnomAD exomes 0.00002; 1000 Genomes Project 30x 0.00016; 1000 Genomes Project 0.00020.

Submissions (2):

PreventionGenetics, part of Exact Sciences
Classification: Likely benign for KIDINS220-related condition. Last evaluated: 2025-08-15. Review status: criteria provided, single submitter. Criteria: ACMG Guidelines, 2015. Collection method: clinical testing. Allele origin: germline.
Comment: This variant is classified as likely benign based on ACMG/AMP sequence variant interpretation guidelines (Richards et al. 2015 PMID: 25741868, with internal and published modifications).

Labcorp Genetics (formerly Invitae), Labcorp
Classification: Likely benign. Last evaluated: 2024-02-24. Review status: criteria provided, single submitter. Criteria: Invitae Variant Classification Sherloc (09022015). Collection method: clinical testing. Allele origin: germline.